The following is an entry in ClinVar:

ClinVar aggregate classification (germline): Uncertain significance. Review status: criteria provided, multiple submitters, no conflicts (2 of 4 stars). 2 submissions from 2 submitters: Uncertain significance (2). Last evaluated 2025-06-23.

Conditions:
PLXNA1-related disorder. Also called: PLXNA1-related condition.

gnomAD v4.1: 12 of 1,604,880 alleles (0.00075%); highest among the groups gnomAD compares: Admixed American, 0.0034%; no homozygotes.

Submissions (2):

Ambry Genetics
Classification: Uncertain significance. Last evaluated: 2025-06-23. Review status: criteria provided, single submitter. Criteria: Ambry Variant Classification Scheme 2023. Collection method: clinical testing. Allele origin: germline.

PreventionGenetics, part of Exact Sciences
Classification: Uncertain significance for PLXNA1-related condition. Last evaluated: 2025-02-16. Review status: criteria provided, single submitter. Criteria: ACMG Guidelines, 2015. Collection method: clinical testing. Allele origin: germline.
Comment: The PLXNA1 c.2467G>A variant is predicted to result in the amino acid substitution p.Asp823Asn. To our knowledge, this variant has not been reported in the literature. This variant is reported in 0.0059% of alleles in individuals of East Asian descent in gnomAD. At this time, the clinical significance of this variant is uncertain due to the absence of conclusive functional and genetic evidence.

NM_032242.4(PLXNA1):c.2467G>A (p.Asp823Asn)

Gene: PLXNA1 (plexin A1; plus strand). Cytogenetic location: 3q21.3.
Variant type: single nucleotide variant.
Coding change: c.2467G>A on transcript NM_032242.4 (MANE Select); coding-DNA position 2467, G replaced by A.
Protein change: p.Asp823Asn; replaces aspartic acid 823 with asparagine.
Molecular consequence: missense variant.
Genome position (GRCh38, 1-based): chr3:127,014,238, G>A. VCF-style: chr3-127014238-G-A. GRCh37 (hg19) VCF-style: chr3-126733081-G-A.
Other names: short protein forms D823N.
Identifiers: ClinVar variation 4140067 (VCV004140067.2).